The following is an entry in ClinVar:

NM_004994.3(MMP9):c.535T>C (p.Tyr179His)

Gene: MMP9 (matrix metallopeptidase 9; plus strand). Cytogenetic location: 20q13.12.
Variant type: single nucleotide variant.
Coding change: c.535T>C on transcript NM_004994.3 (MANE Select); coding-DNA position 535, T replaced by C.
Protein change: p.Tyr179His; replaces tyrosine 179 with histidine.
Molecular consequence: missense variant.
Genome position (GRCh38, 1-based): chr20:46,010,936, T>C. VCF-style: chr20-46010936-T-C. GRCh37 (hg19) VCF-style: chr20-44639575-T-C.
Other names: short protein forms Y179H.
Identifiers: ClinVar variation 3712065 (VCV003712065.2).

ClinVar aggregate classification (germline): Uncertain significance (1 of 4 stars; one submission).

gnomAD v4.1: 28 of 1,614,098 alleles (0.0017%); highest among the groups gnomAD compares: African/African-American, 0.012%; no homozygotes.

Submission:

Labcorp Genetics (formerly Invitae), Labcorp
Classification: Uncertain significance. Last evaluated: 2024-03-24. Review status: criteria provided, single submitter. Criteria: Invitae Variant Classification Sherloc (09022015). Collection method: clinical testing. Allele origin: germline.
Comment: This sequence change replaces tyrosine, which is neutral and polar, with histidine, which is basic and polar, at codon 179 of the MMP9 protein (p.Tyr179His). This variant is present in population databases (rs141088574, gnomAD 0.01%). This variant has not been reported in the literature in individuals affected with MMP9-related conditions. Advanced modeling of protein sequence and biophysical properties (such as structural, functional, and spatial information, amino acid conservation, physicochemical variation, residue mobility, and thermodynamic stability) performed at Invitae indicates that this missense variant is expected to disrupt MMP9 protein function with a positive predictive value of 80%. In summary, the available evidence is currently insufficient to determine the role of this variant in disease. Therefore, it has been classified as a Variant of Uncertain Significance.